The following is an entry in ClinVar:

NM_005585.5(SMAD6):c.842G>A (p.Arg281Gln)

Gene: SMAD6 (SMAD family member 6; plus strand). Cytogenetic location: 15q22.31.
Variant type: single nucleotide variant.
Coding change: c.842G>A on transcript NM_005585.5 (MANE Select); coding-DNA position 842, G replaced by A.
Protein change: p.Arg281Gln; replaces arginine 281 with glutamine.
Molecular consequence: missense variant. On other transcripts: non-coding transcript variant (1).
Genome position (GRCh38, 1-based): chr15:66,711,692, G>A. VCF-style: chr15-66711692-G-A. GRCh37 (hg19) VCF-style: chr15-67004030-G-A.
Other names: short protein forms R281Q.
Identifiers: ClinVar variation 1373943 (VCV001373943.9), dbSNP rs758203577, ClinGen allele CA7626586.

ClinVar aggregate classification (germline): Uncertain significance. Review status: criteria provided, multiple submitters, no conflicts (2 of 4 stars). 2 submissions from 2 submitters: Uncertain significance (2). Last evaluated 2022-11-09.

Conditions:
Aortic valve disease 2 (AOVD2). Identifiers: MedGen C3542024, MONDO:0013902, OMIM 614823.

Allele frequency attached by ClinVar (database versions not stated): gnomAD exomes below 0.00001; ExAC 0.00001; TOPMed 0.00001.
gnomAD v4.1: 3 of 1,613,846 alleles (0.00019%); highest among the groups gnomAD compares: Admixed American, 0.0017%; no homozygotes.

Submissions (2):

Blueprint Genetics
Classification: Uncertain significance. Last evaluated: 2022-11-09. Review status: criteria provided, single submitter. Criteria: ACMG Guidelines, 2015. Collection method: clinical testing. Allele origin: germline.

Labcorp Genetics (formerly Invitae), Labcorp
Classification: Uncertain significance for Aortic valve disease 2. Last evaluated: 2020-12-09. Review status: criteria provided, single submitter. Criteria: Invitae Variant Classification Sherloc (09022015). Collection method: clinical testing. Allele origin: germline.
Comment: This variant has not been reported in the literature in individuals with SMAD6-related conditions. This sequence change replaces arginine with glutamine at codon 281 of the SMAD6 protein (p.Arg281Gln). The arginine residue is highly conserved and there is a small physicochemical difference between arginine and glutamine. This variant is present in population databases (rs758203577, ExAC 0.009%). Algorithms developed to predict the effect of missense changes on protein structure and function (SIFT, PolyPhen-2, Align-GVGD) all suggest that this variant is likely to be tolerated, but these predictions have not been confirmed by published functional studies and their clinical significance is uncertain. Algorithms developed to predict the effect of sequence changes on RNA splicing suggest that this variant may create or strengthen a splice site, but this prediction has not been confirmed by published transcriptional studies. In summary, the available evidence is currently insufficient to determine the role of this variant in disease. Therefore, it has been classified as a Variant of Uncertain Significance.